The following is an entry in ClinVar:

NM_000091.5(COL4A3):c.3945A>G (p.Pro1315=)

Genes: COL4A3 (collagen type IV alpha 3 chain; plus strand), MFF-DT (MFF divergent transcript; minus strand). Cytogenetic location: 2q36.3.
Variant type: single nucleotide variant.
Coding change: c.3945A>G on transcript NM_000091.5 (MANE Select); coding-DNA position 3945, A replaced by G.
Protein change: p.Pro1315=; no amino-acid change (proline 1315 retained).
Molecular consequence: synonymous variant.
Genome position (GRCh38, 1-based): chr2:227,303,100, A>G. VCF-style: chr2-227303100-A-G. GRCh37 (hg19) VCF-style: chr2-228167816-A-G.
Identifiers: ClinVar variation 334778 (VCV000334778.56), dbSNP rs189574905, ClinGen allele CA2147392.

ClinVar aggregate classification (germline): Conflicting classifications of pathogenicity. Review status: criteria provided, conflicting classifications (1 of 4 stars). 9 submissions from 9 submitters: Uncertain significance (1); Likely benign (7). 1 of the submissions does not count toward it. Last evaluated 2026-01-13.

Conditions:
Autosomal dominant Alport syndrome (ATS3A). Also called: Alport syndrome dominant type; Renal failure and sensorineural hearing loss; ALPORT SYNDROME 3A, AUTOSOMAL DOMINANT. Identifiers: Orphanet 63, Orphanet 88918, MedGen C5882663, MONDO:0007086, OMIM 104200.
COL4A3-related disorder. Also called: COL4A3-Related Disorders; COL4A3-related condition.
Alport syndrome. Also called: Hemorrhagic familial nephritis; Hemorrhagic hereditary nephritis; Congenital hereditary hematuria. Identifiers: Orphanet 63, MedGen C1567741, MONDO:0018965.

Allele frequency attached by ClinVar (database versions not stated): gnomAD exomes 0.00005 and 0.00012; ExAC 0.00012; gnomAD 0.00021; TOPMed 0.00025; ESP Exome Variant Server 0.00034; 1000 Genomes Project 0.00060; 1000 Genomes Project 30x 0.00062.
gnomAD v4.1: 111 of 1,613,854 alleles (0.0069%); highest among the groups gnomAD compares: African/African-American, 0.087%; no homozygotes.

Submissions (9):

Labcorp Genetics (formerly Invitae), Labcorp
Classification: Likely benign. Last evaluated: 2026-01-13. Review status: criteria provided, single submitter. Criteria: Invitae Variant Classification Sherloc (09022015). Collection method: clinical testing. Allele origin: germline.

Women's Health and Genetics/Laboratory Corporation of America, LabCorp
Classification: Likely benign. Last evaluated: 2025-03-18. Review status: criteria provided, single submitter. Criteria: LabCorp Variant Classification Summary - May 2015. Collection method: clinical testing. Allele origin: germline.

PreventionGenetics, part of Exact Sciences
Classification: Likely benign for COL4A3-related condition. Last evaluated: 2024-11-06. Review status: criteria provided, single submitter. Criteria: ACMG Guidelines, 2015. Collection method: clinical testing. Allele origin: germline.
Comment: This variant is classified as likely benign based on ACMG/AMP sequence variant interpretation guidelines (Richards et al. 2015 PMID: 25741868, with internal and published modifications).

Blueprint Genetics
Classification: Likely benign. Last evaluated: 2024-05-09. Review status: criteria provided, single submitter. Criteria: ACMG Guidelines, 2015. Collection method: clinical testing. Allele origin: germline.

CeGaT Center for Human Genetics Tuebingen
Classification: Likely benign. Last evaluated: 2022-05-01. Review status: criteria provided, single submitter. Criteria: CeGaT Center For Human Genetics Tuebingen Variant Classification Criteria Version 2. Collection method: clinical testing. Allele origin: germline. Affected: yes. Observed: 1 variant allele.
Comment: COL4A3: BP4, BP7

GeneDx
Classification: Likely benign. Last evaluated: 2020-04-08. Review status: criteria provided, single submitter. Criteria: GeneDx Variant Classification Process June 2021. Collection method: clinical testing. Allele origin: germline. Affected: yes.

Illumina Laboratory Services, Illumina
Classification: Uncertain significance for Alport syndrome. Last evaluated: 2018-01-12. Review status: criteria provided, single submitter. Criteria: ICSL Variant Classification Criteria 13 December 2019. Collection method: clinical testing. Allele origin: germline.

Laboratory for Molecular Medicine, Mass General Brigham Personalized Medicine
Classification: Likely benign. Last evaluated: 2017-08-23. Review status: criteria provided, single submitter. Criteria: LMM Criteria. Collection method: clinical testing. Allele origin: germline. Observed: 1 variant allele.
Comment: p.Pro1315Pro in exon 44 of COL4A3: This variant is not expected to have clinical significance because it does not alter an amino acid residue and is not located within the splice consensus sequence. It has been identified in 0.07% (7/9794) of African chromosomes by the Exome Aggregation Consortium (ExAC; dbSNP rs189574905).

Natera, Inc.
Classification: Likely benign for Autosomal dominant Alport syndrome. Last evaluated: 2020-06-02. Review status: no assertion criteria provided. Collection method: clinical testing. Allele origin: germline. Not counted in ClinVar's aggregate classification.